The following is an entry in ClinVar:

NM_004525.3(LRP2):c.11662C>T (p.Arg3888Cys)

Gene: LRP2 (LDL receptor related protein 2; minus strand). Cytogenetic location: 2q31.1.
Variant type: single nucleotide variant.
Coding change: c.11662C>T on transcript NM_004525.3 (MANE Select); coding-DNA position 11662, C replaced by T.
Protein change: p.Arg3888Cys; replaces arginine 3888 with cysteine.
Molecular consequence: missense variant.
Genome position (GRCh38, 1-based): chr2:169,166,028, G>A on the plus strand (C>T on the coding strand, the complement: LRP2 is on the minus strand). VCF-style: chr2-169166028-G-A. GRCh37 (hg19) VCF-style: chr2-170022538-G-A.
Other names: c.11662C>T (NM_004525.2); short protein forms R3888C.
Identifiers: ClinVar variation 2919004 (VCV002919004.2), dbSNP rs750352540, ClinGen allele CA1952998.

ClinVar aggregate classification (germline): Uncertain significance. Review status: criteria provided, multiple submitters, no conflicts (2 of 4 stars). 2 submissions from 2 submitters: Uncertain significance (2). Last evaluated 2024-10-17.

Conditions:
Inborn genetic diseases. Identifiers: MedGen C0950123, MeSH D030342.

Allele frequency attached by ClinVar (database versions not stated): ExAC 0.00002.
gnomAD v4.1: 8 of 1,613,996 alleles (0.0005%); highest among the groups gnomAD compares: South Asian, 0.0044%; no homozygotes.

Submissions (2):

Ambry Genetics
Classification: Uncertain significance for Inborn genetic diseases. Last evaluated: 2024-10-17. Review status: criteria provided, single submitter. Criteria: Ambry Variant Classification Scheme 2023. Collection method: clinical testing. Allele origin: germline.

Labcorp Genetics (formerly Invitae), Labcorp
Classification: Uncertain significance. Last evaluated: 2023-09-19. Review status: criteria provided, single submitter. Criteria: Invitae Variant Classification Sherloc (09022015). Collection method: clinical testing. Allele origin: germline.
Comment: This sequence change replaces arginine, which is basic and polar, with cysteine, which is neutral and slightly polar, at codon 3888 of the LRP2 protein (p.Arg3888Cys). This variant is present in population databases (rs750352540, gnomAD 0.006%). This variant has not been reported in the literature in individuals affected with LRP2-related conditions. An algorithm developed to predict the effect of missense changes on protein structure and function (PolyPhen-2) suggests that this variant is likely to be disruptive. In summary, the available evidence is currently insufficient to determine the role of this variant in disease. Therefore, it has been classified as a Variant of Uncertain Significance.